The following is an entry in ClinVar:

NM_080605.4(B3GALT6):c.664G>C (p.Ala222Pro)

Gene: B3GALT6 (beta-1,3-galactosyltransferase 6; plus strand). Cytogenetic location: 1p36.33.
Variant type: single nucleotide variant.
Coding change: c.664G>C on transcript NM_080605.4 (MANE Select); coding-DNA position 664, G replaced by C.
Protein change: p.Ala222Pro; replaces alanine 222 with proline.
Molecular consequence: missense variant.
Genome position (GRCh38, 1-based): chr1:1,232,942, G>C. VCF-style: chr1-1232942-G-C. GRCh37 (hg19) VCF-style: chr1-1168322-G-C.
Other names: short protein forms A222P.
Identifiers: ClinVar variation 1045942 (VCV001045942.9), dbSNP rs777233616, ClinGen allele CA513416.

ClinVar aggregate classification (germline): Uncertain significance (1 of 4 stars; one submission).

Conditions:
Ehlers-Danlos syndrome, spondylodysplastic type, 2 (EDSSPD2). Also called: Ehlers-Danlos syndrome, progeroid type, 2. Identifiers: Orphanet 536467, Orphanet 75496, MedGen C3809210, MONDO:0014139, OMIM 615349.
Spondyloepimetaphyseal dysplasia with joint laxity (SEMDJL). Identifiers: MedGen C0432243, MONDO:0019675.

Allele frequency attached by ClinVar (database versions not stated): gnomAD exomes 0.00001; ExAC 0.00003.

Submission:

Labcorp Genetics (formerly Invitae), Labcorp
Classification: Uncertain significance for Ehlers-Danlos syndrome, spondylodysplastic type, 2; Spondyloepimetaphyseal dysplasia with joint laxity. Last evaluated: 2024-12-03. Review status: criteria provided, single submitter. Criteria: Invitae Variant Classification Sherloc (09022015). Collection method: clinical testing. Allele origin: germline.
Comment: This sequence change replaces alanine, which is neutral and non-polar, with proline, which is neutral and non-polar, at codon 222 of the B3GALT6 protein (p.Ala222Pro). This variant is present in population databases (rs777233616, gnomAD 0.003%). This variant has not been reported in the literature in individuals affected with B3GALT6-related conditions. ClinVar contains an entry for this variant (Variation ID: 1045942). Invitae Evidence Modeling of protein sequence and biophysical properties (such as structural, functional, and spatial information, amino acid conservation, physicochemical variation, residue mobility, and thermodynamic stability) indicates that this missense variant is not expected to disrupt B3GALT6 protein function with a negative predictive value of 80%. In summary, the available evidence is currently insufficient to determine the role of this variant in disease. Therefore, it has been classified as a Variant of Uncertain Significance.